The following is an entry in ClinVar:

ClinVar aggregate classification (germline): Uncertain significance (1 of 4 stars; one submission).

Conditions:
Rhabdoid tumor predisposition syndrome 2 (RTPS2). Identifiers: Orphanet 231108, Orphanet 69077, MedGen C2750074, MONDO:0013224, OMIM 613325.

Submission:

Labcorp Genetics (formerly Invitae), Labcorp
Classification: Uncertain significance for Rhabdoid tumor predisposition syndrome 2. Last evaluated: 2021-05-19. Review status: criteria provided, single submitter. Criteria: Invitae Variant Classification Sherloc (09022015). Collection method: clinical testing. Allele origin: germline.
Comment: In summary, the available evidence is currently insufficient to determine the role of this variant in disease. Therefore, it has been classified as a Variant of Uncertain Significance. Algorithms developed to predict the effect of missense changes on protein structure and function (SIFT, PolyPhen-2, Align-GVGD) all suggest that this variant is likely to be disruptive, but these predictions have not been confirmed by published functional studies and their clinical significance is uncertain. This variant has not been reported in the literature in individuals with SMARCA4-related conditions. This variant is not present in population databases (ExAC no frequency). This sequence change replaces proline with leucine at codon 1479 of the SMARCA4 protein (p.Pro1479Leu). The proline residue is highly conserved and there is a moderate physicochemical difference between proline and leucine.

NM_003072.5(SMARCA4):c.4340C>T (p.Pro1447Leu)

Gene: SMARCA4 (SWI/SNF related BAF chromatin remodeling complex subunit ATPase 4; plus strand). Cytogenetic location: 19p13.2.
Variant type: single nucleotide variant.
Coding change: c.4340C>T on transcript NM_003072.5 (MANE Select); coding-DNA position 4340, C replaced by T.
Protein change: p.Pro1447Leu; replaces proline 1447 with leucine.
Molecular consequence: missense variant. On other transcripts: non-coding transcript variant (1).
Genome position (GRCh38, 1-based): chr19:11,041,476, C>T. VCF-style: chr19-11041476-C-T. GRCh37 (hg19) VCF-style: chr19-11152152-C-T.
Other names: c.4340C>T, p.Pro1447Leu (NM_001128844.3); c.4250C>T, p.Pro1417Leu (NM_001128845.2, NM_001128846.2); c.4241C>T, p.Pro1414Leu (NM_001128847.4, NM_001128848.2, NM_001374457.1); c.4436C>T, p.Pro1479Leu (NM_001128849.3, NM_001387283.1); short protein forms P1414L, P1447L, P1417L, P1479L.
Identifiers: ClinVar variation 1355063 (VCV001355063.8), dbSNP rs2146820178, ClinGen allele CA404073918.